The following is an entry in ClinVar:

ClinVar aggregate classification (germline): Likely benign (0 of 4 stars; one submission).

Conditions:
CPE-related disorder. Also called: CPE-related condition.

Allele frequency attached by ClinVar (database versions not stated): gnomAD 0.00001; TOPMed 0.00001; gnomAD exomes 0.00002.
gnomAD v4.1: 12 of 1,501,310 alleles (0.0008%); highest among the groups gnomAD compares: Non-Finnish European, 0.0011%; no homozygotes.

Submission:

PreventionGenetics, part of Exact Sciences
Classification: Likely benign for CPE-related condition. Last evaluated: 2021-04-21. Review status: no assertion criteria provided. Collection method: clinical testing. Allele origin: germline.
Comment: This variant is classified as likely benign based on ACMG/AMP sequence variant interpretation guidelines (Richards et al. 2015 PMID: 25741868, with internal and published modifications).

NM_001873.4(CPE):c.66C>A (p.Leu22=)

Genes: CPE (carboxypeptidase E; plus strand), LOC129993339 (ATAC-STARR-seq lymphoblastoid silent region 15785; plus strand). Cytogenetic location: 4q32.3.
Variant type: single nucleotide variant.
Coding change: c.66C>A on transcript NM_001873.4 (MANE Select); coding-DNA position 66, C replaced by A.
Protein change: p.Leu22=; no amino-acid change (leucine 22 retained).
Molecular consequence: synonymous variant.
Genome position (GRCh38, 1-based): chr4:165,379,287, C>A. VCF-style: chr4-165379287-C-A. GRCh37 (hg19) VCF-style: chr4-166300439-C-A.
Identifiers: ClinVar variation 3030491 (VCV003030491.2), dbSNP rs1217703812, ClinGen allele CA442117757.
Genomic context (GRCh38, chr4:165,379,287, plus strand): 5'-CGGGCGAGGGGGCAGCGCGCTGCTGGCTCTGTGCGGGGCACTGGCTGCCTGCGGGTGGCT[C>A]CTGGGCGCCGAAGCCCAGGAGCCCGGGGCGCCCGCGGCGGGCATGAGGCGGCGCCGGCGG-3'
Protein context (NP_001864.1, residues 12-32): LCGALAACGW[Leu22=]LGAEAQEPGA